The following is an entry in ClinVar:

NM_004744.5(LRAT):c.342G>A (p.Glu114=)

Gene: LRAT (lecithin retinol acyltransferase; plus strand). Cytogenetic location: 4q32.1.
Variant type: single nucleotide variant.
Coding change: c.342G>A on transcript NM_004744.5 (MANE Select); coding-DNA position 342, G replaced by A.
Protein change: p.Glu114=; no amino-acid change (glutamic acid 114 retained).
Molecular consequence: synonymous variant.
Genome position (GRCh38, 1-based): chr4:154,744,668, G>A. VCF-style: chr4-154744668-G-A. GRCh37 (hg19) VCF-style: chr4-155665820-G-A.
Other names: c.342G>A, p.Glu114= (NM_001301645.2).
Identifiers: ClinVar variation 99788 (VCV000099788.16), dbSNP rs17031981, ClinGen allele CA227861.

ClinVar aggregate classification (germline): Benign/Likely benign. Review status: criteria provided, multiple submitters, no conflicts (2 of 4 stars). 6 submissions from 5 submitters: Benign (4); Likely benign (1). 1 of the submissions does not count toward it. Last evaluated 2026-02-02.

Conditions:
Retinal dystrophy. Also called: Inherited retinal dystrophy. Identifiers: Orphanet 71862, MedGen C0854723, MeSH D058499, MONDO:0019118, HP:0000556.
Retinitis pigmentosa (RP). Identifiers: Orphanet 791, MedGen C0035334, MeSH D012174, MONDO:0019200, OMIM 268000. Inheritance: Autosomal dominant, autosomal recessive and X linked inheritance.
Leber congenital amaurosis 14 (LCA14). Identifiers: MedGen C2750063, MONDO:0013231, OMIM 613341.

Allele frequency attached by ClinVar (database versions not stated): gnomAD 0.09214; 1000 Genomes Project 0.09665; TOPMed 0.10149; 1000 Genomes Project 30x 0.10556; ESP Exome Variant Server 0.10910.
gnomAD v4.1: 29,675 of 1,614,112 alleles (1.8%); highest among the groups gnomAD compares: African/African-American, 32%; 4,037 homozygotes.

Submissions (6):

Labcorp Genetics (formerly Invitae), Labcorp
Classification: Benign. Last evaluated: 2026-02-02. Review status: criteria provided, single submitter. Criteria: Invitae Variant Classification Sherloc (09022015). Collection method: clinical testing. Allele origin: germline.

Dept Of Ophthalmology, Nagoya University
Classification: Benign for Retinal dystrophy. Last evaluated: 2023-10-01. Review status: criteria provided, single submitter. Criteria: Submitter's publication. Collection method: research. Allele origin: germline. Affected: yes.

Illumina Laboratory Services, Illumina
Classification: Benign for Retinitis pigmentosa. Last evaluated: 2018-01-13. Review status: criteria provided, single submitter. Criteria: ICSL Variant Classification Criteria 13 December 2019. Collection method: clinical testing. Allele origin: germline.
Comment: This variant was observed in the ICSL laboratory as part of a predisposition screen in an ostensibly healthy population. It had not been previously curated by ICSL or reported in the Human Gene Mutation Database (HGMD: prior to June 1st, 2018), and was therefore a candidate for classification through an automated scoring system. Utilizing variant allele frequency, disease prevalence and penetrance estimates, and inheritance mode, an automated score was calculated to assess if this variant is too frequent to cause the disease. Based on the score and internal cut-off values, a variant classified as benign is not then subjected to further curation. The score for this variant resulted in a classification of benign for this disease.

Illumina Laboratory Services, Illumina
Classification: Benign for Leber congenital amaurosis 14. Last evaluated: 2018-01-13. Review status: criteria provided, single submitter. Criteria: ICSL Variant Classification Criteria 13 December 2019. Collection method: clinical testing. Allele origin: germline.
Comment: the same text as in the submission from Illumina Laboratory Services, Illumina above.

Breakthrough Genomics
Classification: Likely benign. Review status: criteria provided, single submitter. Criteria: ACMG Guidelines, 2015. Collection method: not provided. Allele origin: germline. Inheritance: Autosomal recessive inheritance. Affected: yes.

Retina International
No classification provided. Review status: no classification provided. Collection method: not provided. Allele origin: not provided. Not counted in ClinVar's aggregate classification.